The following is an entry in ClinVar:

NM_001127392.3(MYRF):c.2481C>A (p.Cys827Ter)

Gene: MYRF (myelin regulatory factor; plus strand). Cytogenetic location: 11q12.2.
Variant type: single nucleotide variant.
Coding change: c.2481C>A on transcript NM_001127392.3 (MANE Select); coding-DNA position 2481, C replaced by A.
Protein change: p.Cys827Ter; replaces cysteine 827 with a stop codon.
Molecular consequence: nonsense. On other transcripts: intron variant (1).
Genome position (GRCh38, 1-based): chr11:61,780,787, C>A. VCF-style: chr11-61780787-C-A. GRCh37 (hg19) VCF-style: chr11-61548259-C-A.
Other names: c.2379-170C>A (NM_013279.4); short protein forms C827*.
Identifiers: ClinVar variation 3066312 (VCV003066312.1), dbSNP rs1202514159, ClinGen allele CA380860308.
Genomic context (GRCh38, chr11:61,780,787, plus strand): 5'-CACTTCCTGTCTCCTGGCCCTGCTCCGGCCCCAGCCCCCTGGGGGGAGTGAGGCCTTGTG[C>A]CCATGGTACGTGCTGACCAGCGCCCCTCTCCTCTGGCTCCTGCTGCCCCTCTTCCTGCCT-3'

ClinVar aggregate classification (germline): Likely pathogenic (1 of 4 stars; one submission).

Conditions:
Cardiac-urogenital syndrome (CUGS). Also called: MYRF-Related Cardiac Urogenital Syndrome. Identifiers: Orphanet 647811, MedGen C4748946, MONDO:0032653, OMIM 618280.

Submission:

MVZ Medizinische Genetik Mainz
Classification: Likely pathogenic for Cardiac-urogenital syndrome. Last evaluated: 2022-06-07. Review status: criteria provided, single submitter. Criteria: UK Practice Guidelines For Variant Classification V4 01 2020. Collection method: clinical testing. Allele origin: germline. Inheritance: Autosomal dominant inheritance. Affected: yes. Observed: 1 variant allele.
Comment: ACMG Criteria: PVS1, PM2_SUP